The following is an entry in ClinVar:

ClinVar aggregate classification (germline): Uncertain significance (1 of 4 stars; one submission).

Submission:

Labcorp Genetics (formerly Invitae), Labcorp
Classification: Uncertain significance. Last evaluated: 2024-11-13. Review status: criteria provided, single submitter. Criteria: Invitae Variant Classification Sherloc (09022015). Collection method: clinical testing. Allele origin: germline.
Comment: This sequence change creates a premature translational stop signal (p.Ser753Phefs*12) in the GEN1 gene. While this is not anticipated to result in nonsense mediated decay, it is expected to disrupt the last 156 amino acid(s) of the GEN1 protein. This variant is not present in population databases (gnomAD no frequency). This variant has not been reported in the literature in individuals affected with GEN1-related conditions. Experimental studies and prediction algorithms are not available or were not evaluated, and the functional significance of this variant is currently unknown. In summary, the available evidence is currently insufficient to determine the role of this variant in disease. Therefore, it has been classified as a Variant of Uncertain Significance.

NM_001130009.3(GEN1):c.2256_2257dup (p.Ser753fs)

Gene: GEN1 (GEN1 structure-specific endonuclease; plus strand). Cytogenetic location: 2p24.2.
Variant type: Duplication.
Coding change: c.2256_2257dup on transcript NM_001130009.3 (MANE Select); coding-DNA positions 2256 to 2257, 2 bases duplicated (TT; older notation c.2256_2257dupTT).
Protein change: p.Ser753fs; shifts the reading frame from serine 753.
Molecular consequence: frameshift variant.
Genome position (GRCh38, 1-based): chr2:17,781,468-17,781,469, TT duplicated. VCF-style (leftmost placement, unchanged base first): chr2-17781467-C-CTT. GRCh37 (hg19) VCF-style: chr2-17962734-C-CTT.
Other names: c.2256_2257dup, p.Ser753fs (NM_182625.5); short protein forms S753fs.
Identifiers: ClinVar variation 3689085 (VCV003689085.2).